The following is an entry in ClinVar:

NM_006031.6(PCNT):c.4521C>T (p.Arg1507=)

Gene: PCNT (pericentrin; plus strand). Cytogenetic location: 21q22.3.
Variant type: single nucleotide variant.
Coding change: c.4521C>T on transcript NM_006031.6 (MANE Select); coding-DNA position 4521, C replaced by T.
Protein change: p.Arg1507=; no amino-acid change (arginine 1507 retained).
Molecular consequence: synonymous variant.
Genome position (GRCh38, 1-based): chr21:46,398,088, C>T. VCF-style: chr21-46398088-C-T. GRCh37 (hg19) VCF-style: chr21-47818002-C-T.
Other names: c.4167C>T, p.Arg1389= (NM_001315529.2).
Identifiers: ClinVar variation 3035950 (VCV003035950.3), dbSNP rs2518617676, ClinGen allele CA512741658.

ClinVar aggregate classification (germline): Likely benign. Review status: criteria provided, single submitter (1 of 4 stars). 2 submissions from 2 submitters: Likely benign (1). 1 of the submissions does not count toward it. Last evaluated 2020-03-23.

Conditions:
PCNT-related disorder. Also called: PCNT-related condition.

Submissions (2):

Blueprint Genetics
Classification: Likely benign. Last evaluated: 2020-03-23. Review status: criteria provided, single submitter. Criteria: ACMG Guidelines, 2015. Collection method: clinical testing. Allele origin: germline.

PreventionGenetics, part of Exact Sciences
Classification: Likely benign for PCNT-related condition. Last evaluated: 2022-05-05. Review status: no assertion criteria provided. Collection method: clinical testing. Allele origin: germline. Not counted in ClinVar's aggregate classification.
Comment: This variant is classified as likely benign based on ACMG/AMP sequence variant interpretation guidelines (Richards et al. 2015 PMID: 25741868, with internal and published modifications).